The following is an entry in ClinVar:

ClinVar aggregate classification (germline): Conflicting classifications of pathogenicity. Review status: criteria provided, conflicting classifications (1 of 4 stars). 2 submissions from 2 submitters: Uncertain significance (1); Likely benign (1). Last evaluated 2026-01-28.

Conditions:
Microcephaly-intellectual disability-sensorineural hearing loss-epilepsy-abnormal muscle tone syndrome (NEDHSB). Also called: NEURODEVELOPMENTAL DISORDER WITH HEARING LOSS, SEIZURES, AND BRAIN ABNORMALITIES. Identifiers: Orphanet 457351, MedGen C4225276, MONDO:0014698, OMIM 616577.

Allele frequency attached by ClinVar (database versions not stated): gnomAD 0.00003; ExAC 0.00009; TOPMed 0.00002.
gnomAD v4.1: 41 of 1,613,966 alleles (0.0025%); highest among the groups gnomAD compares: South Asian, 0.0066%; no homozygotes.

Submissions (2):

Labcorp Genetics (formerly Invitae), Labcorp
Classification: Likely benign for Microcephaly-intellectual disability-sensorineural hearing loss-epilepsy-abnormal muscle tone syndrome. Last evaluated: 2026-01-28. Review status: criteria provided, single submitter. Criteria: Invitae Variant Classification Sherloc (09022015). Collection method: clinical testing. Allele origin: germline.

GeneDx
Classification: Uncertain significance. Last evaluated: 2020-11-17. Review status: criteria provided, single submitter. Criteria: GeneDx Variant Classification Process June 2021. Collection method: clinical testing. Allele origin: germline. Affected: yes.
Comment: Not observed at a significant frequency in large population cohorts (Lek et al., 2016); In silico analysis supports that this missense variant has a deleterious effect on protein structure/function; Has not been previously published as pathogenic or benign to our knowledge

NM_145207.3(AFG2A):c.560C>T (p.Pro187Leu)

Gene: AFG2A (AAA ATPase AFG2A; plus strand). Cytogenetic location: 4q28.1.
Variant type: single nucleotide variant.
Coding change: c.560C>T on transcript NM_145207.3 (MANE Select); coding-DNA position 560, C replaced by T.
Protein change: p.Pro187Leu; replaces proline 187 with leucine.
Molecular consequence: missense variant.
Genome position (GRCh38, 1-based): chr4:122,934,151, C>T. VCF-style: chr4-122934151-C-T. GRCh37 (hg19) VCF-style: chr4-123855306-C-T.
Other names: c.557C>T, p.Pro186Leu (NM_001317799.2, NM_001345856.2); short protein forms P186L, P187L.
Identifiers: ClinVar variation 663358 (VCV000663358.11), dbSNP rs746128411, ClinGen allele CA3070274.